The following is an entry in ClinVar:

NM_000435.3(NOTCH3):c.602G>A (p.Cys201Tyr)

Gene: NOTCH3 (notch receptor 3; minus strand). Cytogenetic location: 19p13.12.
Variant type: single nucleotide variant.
Coding change: c.602G>A on transcript NM_000435.3 (MANE Select); coding-DNA position 602, G replaced by A.
Protein change: p.Cys201Tyr; replaces cysteine 201 with tyrosine.
Molecular consequence: missense variant.
Genome position (GRCh38, 1-based): chr19:15,192,037, C>T on the plus strand (G>A on the coding strand, the complement: NOTCH3 is on the minus strand). VCF-style: chr19-15192037-C-T. GRCh37 (hg19) VCF-style: chr19-15302848-C-T.
Other names: short protein forms C201Y.
Identifiers: ClinVar variation 447861 (VCV000447861.5), dbSNP rs1555729468, ClinGen allele CA404533376.

ClinVar aggregate classification (germline): Pathogenic/Likely pathogenic. Review status: criteria provided, multiple submitters, no conflicts (2 of 4 stars). 3 submissions from 3 submitters: Pathogenic (2); Likely pathogenic (1). Last evaluated 2024-08-28.

Submissions (3):

Labcorp Genetics (formerly Invitae), Labcorp
Classification: Pathogenic. Last evaluated: 2024-08-28. Review status: criteria provided, single submitter. Criteria: Invitae Variant Classification Sherloc (09022015). Collection method: clinical testing. Allele origin: germline.
Comment: This sequence change replaces cysteine, which is neutral and slightly polar, with tyrosine, which is neutral and polar, at codon 201 of the NOTCH3 protein (p.Cys201Tyr). This variant is not present in population databases (gnomAD no frequency). This missense change has been observed in individuals with cerebral arteriopathy with subcortical infarcts and leukoencephalopathy (CADASIL) (PMID: 15364702, 36047879; internal data). This variant is also known as 680G>A. ClinVar contains an entry for this variant (Variation ID: 447861). Invitae Evidence Modeling of protein sequence and biophysical properties (such as structural, functional, and spatial information, amino acid conservation, physicochemical variation, residue mobility, and thermodynamic stability) indicates that this missense variant is expected to disrupt NOTCH3 protein function with a positive predictive value of 95%. This variant disrupts the p.Cys201 amino acid residue in NOTCH3. Other variant(s) that disrupt this residue have been determined to be pathogenic (internal data). This suggests that this residue is clinically significant, and that variants that disrupt this residue are likely to be disease-causing. For these reasons, this variant has been classified as Pathogenic.

GeneDx
Classification: Likely pathogenic. Last evaluated: 2023-04-06. Review status: criteria provided, single submitter. Criteria: GeneDx Variant Classification Process June 2021. Collection method: clinical testing. Allele origin: germline. Affected: yes.
Comment: Reported in individuals with CADASIL in published literature, however specific clinical information was not provided for these individuals (Opherk et al., 2004; Zhang et al., 2022); Not observed at significant frequency in large population cohorts (gnomAD); In silico analysis supports that this missense variant has a deleterious effect on protein structure/function; This variant is associated with the following publications: (PMID: 24844136, 33942994, 36047879, 15364702)

Athena Diagnostics
Classification: Pathogenic. Last evaluated: 2015-10-12. Review status: criteria provided, single submitter. Criteria: Athena Diagnostics Criteria. Collection method: clinical testing. Allele origin: germline.

Literature cited by the submitters: PubMed 15364702 (cited by Labcorp Genetics (formerly Invitae), Labcorp and Athena Diagnostics); PubMed 36047879 (cited by Labcorp Genetics (formerly Invitae), Labcorp).